The following is an entry in ClinVar:

ClinVar aggregate classification (germline): Uncertain significance (1 of 4 stars; one submission).

Conditions:
Malignant hyperthermia, susceptibility to, 1 (MHS1). Also called: Anesthesia related hyperthermia; Malignant hyperpyrexia; Fulminating hyperpyrexia; Pharmacogenic myopathy; Malignant hyperthermia suceptibility 1; RYR1-Related Malignant Hyperthermia Susceptibility. Identifiers: Orphanet 423, MedGen C2930980, MONDO:0007783, OMIM 145600.

Submission:

All of Us Research Program, National Institutes of Health
Classification: Uncertain significance for Malignant hyperthermia, susceptibility to, 1. Last evaluated: 2024-06-09. Review status: criteria provided, single submitter. Criteria: ACMG Guidelines, 2015. Collection method: clinical testing. Allele origin: germline. Inheritance: Autosomal dominant inheritance. Observed: 1 variant allele, 1 heterozygote.
Comment: This missense variant replaces proline with alanine at codon 2793 of the RYR1 protein. Computational prediction suggests that this variant may have deleterious impact on protein structure and function (internally defined REVEL score threshold >= 0.7, PMID: 27666373). To our knowledge, functional studies have not been reported for this variant. This variant has not been reported in individuals affected with RYR1-related disorders in the literature. This variant has not been identified in the general population by the Genome Aggregation Database (gnomAD). The available evidence is insufficient to determine the role of this variant in disease conclusively. Therefore, this variant is classified as a Variant of Uncertain Significance.

This study involves interpretation of variants in research participants for the purpose of population health screening. Participant phenotype was not available at the time of variant classification. Additional details can be found in publication PMID: 35346344, PMCID: PMC8962531

NM_000540.3(RYR1):c.8377C>G (p.Pro2793Ala)

Genes: RYR1 (ryanodine receptor 1; plus strand), LOC126862902 (BRD4-independent group 4 enhancer GRCh37_chr19:38995830-38997029; plus strand). Cytogenetic location: 19q13.2.
Variant type: single nucleotide variant.
Coding change: c.8377C>G on transcript NM_000540.3 (MANE Select); coding-DNA position 8377, C replaced by G.
Protein change: p.Pro2793Ala; replaces proline 2793 with alanine.
Molecular consequence: missense variant.
Genome position (GRCh38, 1-based): chr19:38,505,375, C>G. VCF-style: chr19-38505375-C-G. GRCh37 (hg19) VCF-style: chr19-38996015-C-G.
Other names: c.8377C>G, p.Pro2793Ala (NM_001042723.2); short protein forms P2793A.
Identifiers: ClinVar variation 3385472 (VCV003385472.1).